The following is an entry in ClinVar:

NM_000268.4(NF2):c.506T>C (p.Leu169Pro)

Gene: NF2 (NF2, moesin-ezrin-radixin like (MERLIN) tumor suppressor; plus strand). Cytogenetic location: 22q12.2.
Variant type: single nucleotide variant.
Coding change: c.506T>C on transcript NM_000268.4 (MANE Select); coding-DNA position 506, T replaced by C.
Protein change: p.Leu169Pro; replaces leucine 169 with proline.
Molecular consequence: missense variant. On other transcripts: non-coding transcript variant (1), intron variant (1).
Genome position (GRCh38, 1-based): chr22:29,654,715, T>C. VCF-style: chr22-29654715-T-C. GRCh37 (hg19) VCF-style: chr22-30050704-T-C.
Other names: c.506T>C, p.Leu169Pro (NM_016418.5, NM_181825.3, NM_181832.3); c.380T>C, p.Leu127Pro (NM_181828.3); c.383T>C, p.Leu128Pro (NM_181829.3); c.257T>C, p.Leu86Pro (NM_181830.3, NM_181831.3); c.447+12430T>C (NM_181833.3); short protein forms L127P, L128P, L169P, L86P.
Identifiers: ClinVar variation 1039707 (VCV001039707.9), dbSNP rs2066248635, ClinGen allele CA411142240.

ClinVar aggregate classification (germline): Uncertain significance (1 of 4 stars; one submission).

Conditions:
Neurofibromatosis, type 2 (SWNV). Also called: BILATERAL ACOUSTIC NEUROFIBROMATOSIS; NF2-Related Schwannomatosis; SCHWANNOMATOSIS, VESTIBULAR. Identifiers: Orphanet 637, MedGen C0027832, MONDO:0007039, OMIM 101000. Disease mechanism: loss of function.

Submission:

Labcorp Genetics (formerly Invitae), Labcorp
Classification: Uncertain significance for Neurofibromatosis, type 2. Last evaluated: 2020-09-26. Review status: criteria provided, single submitter. Criteria: Invitae Variant Classification Sherloc (09022015). Collection method: clinical testing. Allele origin: germline.
Comment: In summary, the available evidence is currently insufficient to determine the role of this variant in disease. Therefore, it has been classified as a Variant of Uncertain Significance. Algorithms developed to predict the effect of missense changes on protein structure and function (SIFT, PolyPhen-2, Align-GVGD) all suggest that this variant is likely to be disruptive, but these predictions have not been confirmed by published functional studies and their clinical significance is uncertain. This variant has not been reported in the literature in individuals with NF2-related conditions. This variant is not present in population databases (ExAC no frequency). This sequence change replaces leucine with proline at codon 169 of the NF2 protein (p.Leu169Pro). The leucine residue is highly conserved and there is a moderate physicochemical difference between leucine and proline.